The following is an entry in ClinVar:

NM_004046.6(ATP5F1A):c.335A>G (p.Asp112Gly)

Gene: ATP5F1A (ATP synthase F1 subunit alpha; minus strand). Cytogenetic location: 18q21.1.
Variant type: single nucleotide variant.
Coding change: c.335A>G on transcript NM_004046.6 (MANE Select); coding-DNA position 335, A replaced by G.
Protein change: p.Asp112Gly; replaces aspartic acid 112 with glycine.
Molecular consequence: missense variant.
Genome position (GRCh38, 1-based): chr18:46,089,971, T>C on the plus strand (A>G on the coding strand, the complement: ATP5F1A is on the minus strand). VCF-style: chr18-46089971-T-C. GRCh37 (hg19) VCF-style: chr18-43669937-T-C.
Other names: c.185A>G, p.Asp62Gly (NM_001001935.3, NM_001257335.2); c.335A>G, p.Asp112Gly (NM_001001937.2, NM_001257334.2); short protein forms D112G, D62G.
Identifiers: ClinVar variation 3391521 (VCV003391521.2).

ClinVar aggregate classification (germline): Uncertain significance (1 of 4 stars; one submission).

Submission:

GeneDx
Classification: Uncertain significance. Last evaluated: 2026-01-18. Review status: criteria provided, single submitter. Criteria: GeneDx Variant Classification Process June 2021. Collection method: clinical testing. Allele origin: germline.
Comment: Not observed at significant frequency in large population cohorts (gnomAD); In silico analysis supports that this missense variant has a deleterious effect on protein structure/function; Has not been previously published as pathogenic or benign to our knowledge